The following is an entry in ClinVar:

NM_004937.3(CTNS):c.561+3A>G

Genes: CTNS (cystinosin, lysosomal cystine transporter; plus strand), CTNS-AS1 (CTNS antisense RNA 1; minus strand). Cytogenetic location: 17p13.2.
Variant type: single nucleotide variant.
Coding change: c.561+3A>G on transcript NM_004937.3 (MANE Select); 3 bases into the intron after coding-DNA position 561, A replaced by G.
Molecular consequence: intron variant.
Genome position (GRCh38, 1-based): chr17:3,656,589, A>G. VCF-style: chr17-3656589-A-G. GRCh37 (hg19) VCF-style: chr17-3559883-A-G.
Other names: c.561+3A>G (NM_004937.2, NM_001031681.3, NM_001374492.1); c.120+3A>G (NM_001374493.1, NM_001374495.1, NM_001374494.1 and 1 more transcripts).
Identifiers: ClinVar variation 2051744 (VCV002051744.4), dbSNP rs778640058, ClinGen allele CA8291774.

ClinVar aggregate classification (germline): Uncertain significance. Review status: criteria provided, multiple submitters, no conflicts (2 of 4 stars). 2 submissions from 2 submitters: Uncertain significance (2). Last evaluated 2025-06-30.

Conditions:
Inborn genetic diseases. Identifiers: MedGen C0950123, MeSH D030342.
Ocular cystinosis. Also called: Non-Nephropathic Cystinosis; Non-Nephropathic (Ocular) Cystinosis. Identifiers: Orphanet 213, Orphanet 411641, MedGen C2931013, MONDO:0009064, OMIM 219750.
Juvenile nephropathic cystinosis. Also called: Intermediate Cystinosis; CYSTINOSIS, LATE-ONSET JUVENILE OR ADOLESCENT NEPHROPATHIC TYPE; Later-Onset (Juvenile) Cystinosis. Identifiers: Orphanet 213, Orphanet 411634, MedGen C0268626, MONDO:0009066, OMIM 219900.

Allele frequency attached by ClinVar (database versions not stated): gnomAD 0.00001; gnomAD exomes 0.00001; TOPMed 0.00004; ExAC 0.00007.
gnomAD v4.1: 10 of 1,611,298 alleles (0.00062%); highest among the groups gnomAD compares: East Asian, 0.022%; no homozygotes.

Submissions (2):

Ambry Genetics
Classification: Uncertain significance for Inborn genetic diseases. Last evaluated: 2025-06-30. Review status: criteria provided, single submitter. Criteria: Ambry Variant Classification Scheme 2023. Collection method: clinical testing. Allele origin: germline.
Comment: The c.561+3A>G intronic alteration results from an A to G substitution 3 nucleotides after coding exon 6 in the CTNS gene. Based on data from gnomAD, the G allele has an overall frequency of 0.006% (18/282036) total alleles studied. The highest observed frequency was 0.09% (18/19940) of East Asian alleles. This nucleotide position is well conserved in available vertebrate species. In silico splice site analysis for this alteration is inconclusive. Based on insufficient or conflicting evidence, the clinical significance of this alteration remains unclear.

Labcorp Genetics (formerly Invitae), Labcorp
Classification: Uncertain significance for Inborn genetic diseases; Ocular cystinosis; Juvenile nephropathic cystinosis. Last evaluated: 2022-07-28. Review status: criteria provided, single submitter. Criteria: Invitae Variant Classification Sherloc (09022015). Collection method: clinical testing. Allele origin: germline.
Comment: This sequence change falls in intron 8 of the CTNS gene. It does not directly change the encoded amino acid sequence of the CTNS protein. It affects a nucleotide within the consensus splice site. This variant is present in population databases (rs778640058, gnomAD 0.1%). This variant has not been reported in the literature in individuals affected with CTNS-related conditions. Variants that disrupt the consensus splice site are a relatively common cause of aberrant splicing (PMID: 17576681, 9536098). Algorithms developed to predict the effect of sequence changes on RNA splicing suggest that this variant is not likely to affect RNA splicing. In summary, the available evidence is currently insufficient to determine the role of this variant in disease. Therefore, it has been classified as a Variant of Uncertain Significance.

Literature cited by the submitters: PubMed 17576681 (cited by Labcorp Genetics (formerly Invitae), Labcorp); PubMed 9536098 (cited by Labcorp Genetics (formerly Invitae), Labcorp).